The following is an entry in ClinVar:

ClinVar aggregate classification (germline): Uncertain significance. Review status: criteria provided, multiple submitters, no conflicts (2 of 4 stars). 2 submissions from 2 submitters: Uncertain significance (2). Last evaluated 2025-08-11.

Conditions:
Hereditary cancer-predisposing syndrome. Also called: Hereditary neoplastic syndrome; Tumor predisposition; Neoplastic Syndromes, Hereditary; Hereditary Cancer Syndrome. Identifiers: Orphanet 140162, MedGen C0027672, MeSH D009386, MONDO:0015356.
EGFR-related lung cancer (EGFR). Identifiers: MedGen CN130014.

gnomAD v4.1: 2 of 1,614,102 alleles (0.00012%); highest among the groups gnomAD compares: African/African-American, 0.0027%; no homozygotes.

Submissions (2):

Ambry Genetics
Classification: Uncertain significance for Hereditary cancer-predisposing syndrome. Last evaluated: 2025-08-11. Review status: criteria provided, single submitter. Criteria: Ambry Variant Classification Scheme 2023. Collection method: clinical testing. Allele origin: germline.
Comment: The p.I1050S variant (also known as c.3149T>G), located in coding exon 26 of the EGFR gene, results from a T to G substitution at nucleotide position 3149. The isoleucine at codon 1050 is replaced by serine, an amino acid with dissimilar properties. This amino acid position is not well conserved in available vertebrate species. In addition, this alteration is predicted to be tolerated by in silico analysis. Based on the available evidence, the clinical significance of this variant remains unclear.

Labcorp Genetics (formerly Invitae), Labcorp
Classification: Uncertain significance for EGFR-related lung cancer. Last evaluated: 2023-10-04. Review status: criteria provided, single submitter. Criteria: Invitae Variant Classification Sherloc (09022015). Collection method: clinical testing. Allele origin: germline.
Comment: This sequence change replaces isoleucine, which is neutral and non-polar, with serine, which is neutral and polar, at codon 1050 of the EGFR protein (p.Ile1050Ser). This variant is present in population databases (no rsID available, gnomAD 0.007%). This variant has not been reported in the literature in individuals affected with EGFR-related conditions. ClinVar contains an entry for this variant (Variation ID: 956107). An algorithm developed to predict the effect of missense changes on protein structure and function (PolyPhen-2) suggests that this variant is likely to be tolerated. In summary, the available evidence is currently insufficient to determine the role of this variant in disease. Therefore, it has been classified as a Variant of Uncertain Significance.

NM_005228.5(EGFR):c.3149T>G (p.Ile1050Ser)

Gene: EGFR (epidermal growth factor receptor; plus strand). Cytogenetic location: 7p11.2.
Variant type: single nucleotide variant.
Coding change: c.3149T>G on transcript NM_005228.5 (MANE Select); coding-DNA position 3149, T replaced by G.
Protein change: p.Ile1050Ser; replaces isoleucine 1050 with serine.
Molecular consequence: missense variant.
Genome position (GRCh38, 1-based): chr7:55,201,769, T>G. VCF-style: chr7-55201769-T-G. GRCh37 (hg19) VCF-style: chr7-55269462-T-G.
Other names: c.2348T>G, p.Ile783Ser (NM_001346941.2); c.3149T>G, p.Ile1050Ser (NM_001346898.2); c.3014T>G, p.Ile1005Ser (NM_001346899.2, NM_001346897.2); c.2990T>G, p.Ile997Ser (NM_001346900.2); short protein forms I997S, I1050S, I783S, I1005S.
Identifiers: ClinVar variation 956107 (VCV000956107.10), dbSNP rs529174941, ClinGen allele CA367582998.